The following is an entry in ClinVar:

NM_005585.5(SMAD6):c.1289T>A (p.Val430Glu)

Gene: SMAD6 (SMAD family member 6; plus strand). Cytogenetic location: 15q22.31.
Variant type: single nucleotide variant.
Coding change: c.1289T>A on transcript NM_005585.5 (MANE Select); coding-DNA position 1289, T replaced by A.
Protein change: p.Val430Glu; replaces valine 430 with glutamic acid.
Molecular consequence: missense variant. On other transcripts: non-coding transcript variant (1).
Genome position (GRCh38, 1-based): chr15:66,781,333, T>A. VCF-style: chr15-66781333-T-A. GRCh37 (hg19) VCF-style: chr15-67073671-T-A.
Other names: short protein forms V430E.
Identifiers: ClinVar variation 3769905 (VCV003769905.1).
Genomic context (GRCh38, chr15:66,781,333, plus strand): 5'-TCTTCGTCAACTCCCCGACGCTGGACGCGCCCGGCGGCCGCGCCCTGGTCGTGCGCAAGG[T>A]GCCCCCCGGCTACTCCATCAAGGTGTTCGACTTCGAGCGCTCGGGCCTGCAGCACGCGCC-3'
Protein context (NP_005576.3, residues 420-440): PGGRALVVRK[Val430Glu]PPGYSIKVFD

ClinVar aggregate classification (germline): Uncertain significance (1 of 4 stars; one submission).

Submission:

GeneDx
Classification: Uncertain significance. Last evaluated: 2024-09-12. Review status: criteria provided, single submitter. Criteria: GeneDx Variant Classification Process June 2021. Collection method: clinical testing. Allele origin: germline. Affected: yes.
Comment: Not observed at significant frequency in large population cohorts (gnomAD); In silico analysis supports that this missense variant has a deleterious effect on protein structure/function; Has not been previously published as pathogenic or benign to our knowledge